The following is an entry in ClinVar:

NM_001369.3(DNAH5):c.3300C>T (p.Pro1100=)

Genes: DNAH5 (dynein axonemal heavy chain 5; minus strand), DNAH5-AS1 (DNAH5 antisense RNA 1; plus strand). Cytogenetic location: 5p15.2.
Variant type: single nucleotide variant.
Coding change: c.3300C>T on transcript NM_001369.3 (MANE Select); coding-DNA position 3300, C replaced by T.
Protein change: p.Pro1100=; no amino-acid change (proline 1100 retained).
Molecular consequence: synonymous variant.
Genome position (GRCh38, 1-based): chr5:13,876,780, G>A on the plus strand (C>T on the coding strand, the complement: DNAH5 is on the minus strand). VCF-style: chr5-13876780-G-A. GRCh37 (hg19) VCF-style: chr5-13876889-G-A.
Identifiers: ClinVar variation 1157787 (VCV001157787.29), dbSNP rs375299394, ClinGen allele CA3204318.

ClinVar aggregate classification (germline): Likely benign. Review status: criteria provided, multiple submitters, no conflicts (2 of 4 stars). 2 submissions from 2 submitters: Likely benign (2). Last evaluated 2025-12-10.

Conditions:
Primary ciliary dyskinesia. Also called: Ciliary dyskinesia. Identifiers: Orphanet 244, MedGen C0008780, MONDO:0016575, HP:0012265.

Allele frequency attached by ClinVar (database versions not stated): gnomAD 0.00003 and 0.00002; gnomAD exomes 0.00003 and 0.00004; ESP Exome Variant Server 0.00008; 1000 Genomes Project 30x 0.00031; 1000 Genomes Project 0.00040; TOPMed 0.00002; ExAC 0.00003.
gnomAD v4.1: 46 of 1,613,708 alleles (0.0029%); highest among the groups gnomAD compares: South Asian, 0.0088%; no homozygotes.

Submissions (2):

Labcorp Genetics (formerly Invitae), Labcorp
Classification: Likely benign for Primary ciliary dyskinesia. Last evaluated: 2025-12-10. Review status: criteria provided, single submitter. Criteria: Invitae Variant Classification Sherloc (09022015). Collection method: clinical testing. Allele origin: germline.

CeGaT Center for Human Genetics Tuebingen
Classification: Likely benign. Last evaluated: 2024-04-01. Review status: criteria provided, single submitter. Criteria: CeGaT Center For Human Genetics Tuebingen Variant Classification Criteria Version 2. Collection method: clinical testing. Allele origin: germline. Affected: yes. Observed: 1 variant allele.
Comment: DNAH5: BP4, BP7